The following is an entry in ClinVar:

NM_002691.4(POLD1):c.2248A>C (p.Lys750Gln)

Gene: POLD1 (DNA polymerase delta 1, catalytic subunit; plus strand). Cytogenetic location: 19q13.33.
Variant type: single nucleotide variant.
Coding change: c.2248A>C on transcript NM_002691.4 (MANE Select); coding-DNA position 2248, A replaced by C.
Protein change: p.Lys750Gln; replaces lysine 750 with glutamine.
Molecular consequence: missense variant. On other transcripts: non-coding transcript variant (1).
Genome position (GRCh38, 1-based): chr19:50,413,519, A>C. VCF-style: chr19-50413519-A-C. GRCh37 (hg19) VCF-style: chr19-50916776-A-C.
Other names: c.2248A>C, p.Lys750Gln (NM_001256849.1); c.2326A>C, p.Lys776Gln (NM_001308632.1); short protein forms K750Q, K776Q.
Identifiers: ClinVar variation 2758359 (VCV002758359.3), dbSNP rs878854533, ClinGen allele CA406983847.
Genomic context (GRCh38, chr19:50,413,519, plus strand): 5'-AAAACCAAGCAGCTGGTGGAGTCTAAGTACACAGTGGAGAATGGCTACAGCACCAGTGCC[A>C]AGGTCGGGGGCTGCCCACCGCTGCCCTGAGATGGGCCCAGGGCAGGTGGGGGGATGGAAG-3'
Protein context (NP_002682.2, residues 740-760): TVENGYSTSA[Lys750Gln]VVYGDTDSVM

ClinVar aggregate classification (germline): Uncertain significance (1 of 4 stars; one submission).

Conditions:
POLD1-related polyposis and colorectal cancer syndrome (CRCS10). Also called: Colorectal cancer 10; Colorectal cancer, susceptibility to, 10; COLORECTAL CANCER, SUSCEPTIBILITY TO, ON CHROMOSOME 19q. Identifiers: Orphanet 220460, MedGen C2675481, MONDO:0012953, OMIM 612591.

Submission:

Labcorp Genetics (formerly Invitae), Labcorp
Classification: Uncertain significance for POLD1-related polyposis and colorectal cancer syndrome. Last evaluated: 2023-06-02. Review status: criteria provided, single submitter. Criteria: Invitae Variant Classification Sherloc (09022015). Collection method: clinical testing. Allele origin: germline.
Comment: In summary, the available evidence is currently insufficient to determine the role of this variant in disease. Therefore, it has been classified as a Variant of Uncertain Significance. An algorithm developed to predict the effect of missense changes on protein structure and function (PolyPhen-2) suggests that this variant is likely to be disruptive. This variant has not been reported in the literature in individuals affected with POLD1-related conditions. This variant is not present in population databases (gnomAD no frequency). This sequence change replaces lysine, which is basic and polar, with glutamine, which is neutral and polar, at codon 750 of the POLD1 protein (p.Lys750Gln).